The following is an entry in ClinVar:

NM_001374736.1(DST):c.21817A>G (p.Ile7273Val)

Gene: DST (dystonin; minus strand). Cytogenetic location: 6p12.1.
Variant type: single nucleotide variant.
Coding change: c.21817A>G on transcript NM_001374736.1 (MANE Select); coding-DNA position 21817, A replaced by G.
Protein change: p.Ile7273Val; replaces isoleucine 7273 with valine.
Molecular consequence: missense variant.
Genome position (GRCh38, 1-based): chr6:56,476,196, T>C on the plus strand (A>G on the coding strand, the complement: DST is on the minus strand). VCF-style: chr6-56476196-T-C. GRCh37 (hg19) VCF-style: chr6-56340994-T-C.
Other names: c.15460A>G, p.Ile5154Val (NM_001144769.5); c.15046A>G, p.Ile5016Val (NM_001144770.2); c.21817A>G, p.Ile7273Val (NM_001374722.1); c.20857A>G, p.Ile6953Val (NM_001374729.1); c.14599A>G, p.Ile4867Val (NM_001374730.1); c.21844A>G, p.Ile7282Val (NM_001374734.1); c.14926A>G, p.Ile4976Val (NM_001386100.1, NM_183380.4); c.13948A>G, p.Ile4650Val (NM_015548.5); short protein forms I4867V, I7273V, I4650V, I5016V, I6953V, I4976V, I5154V, I7282V.
Identifiers: ClinVar variation 1960535 (VCV001960535.5), dbSNP rs2533565289, ClinGen allele CA364510184.

ClinVar aggregate classification (germline): Uncertain significance (1 of 4 stars; one submission).

Conditions:
Hereditary sensory and autonomic neuropathy type 6. Also called: HSAN VI; Neuropathy, hereditary sensory and autonomic, type VI. Identifiers: Orphanet 314381, MedGen C3539003, MONDO:0013839, OMIM 614653.
Epidermolysis bullosa simplex 3, localized or generalized intermediate, with BP230 deficiency (EBS3). Also called: Epidermolysis bullosa simplex due to BP230 deficiency; Epidermolysis bullosa simplex, autosomal recessive 2. Identifiers: Orphanet 412181, MedGen C3809470, MONDO:0014180, OMIM 615425.

Allele frequency attached by ClinVar (database versions not stated): gnomAD exomes below 0.00001.
gnomAD v4.1: 1 of 1,613,148 alleles (0.000062%); highest among the groups gnomAD compares: Non-Finnish European, 0.000085%; no homozygotes.

Submission:

Labcorp Genetics (formerly Invitae), Labcorp
Classification: Uncertain significance for Epidermolysis bullosa simplex 3, localized or generalized intermediate, with BP230 deficiency; Hereditary sensory and autonomic neuropathy type 6. Last evaluated: 2022-02-18. Review status: criteria provided, single submitter. Criteria: Invitae Variant Classification Sherloc (09022015). Collection method: clinical testing. Allele origin: germline.
Comment: In summary, the available evidence is currently insufficient to determine the role of this variant in disease. Therefore, it has been classified as a Variant of Uncertain Significance. Experimental studies and prediction algorithms are not available or were not evaluated, and the functional significance of this variant is currently unknown. This variant has not been reported in the literature in individuals affected with DST-related conditions. This variant is not present in population databases (gnomAD no frequency). This sequence change replaces isoleucine, which is neutral and non-polar, with valine, which is neutral and non-polar, at codon 4650 of the DST protein (p.Ile4650Val). The DST gene has multiple clinically relevant transcripts. This variant occurs in alternate transcript NM_015548.4, and corresponds to NM_001723.5:c.*139321A>G in the primary transcript.